The following is an entry in ClinVar:

NM_000059.4(BRCA2):c.3505_3508del (p.Asn1169fs)

Gene: BRCA2 (BRCA2 DNA repair associated; plus strand). Cytogenetic location: 13q13.1.
Variant type: Microsatellite.
Coding change: c.3505_3508del on transcript NM_000059.4 (MANE Select); coding-DNA positions 3505 to 3508, 4 bases deleted (AATG; older notation c.3505_3508delAATG).
Protein change: p.Asn1169fs; shifts the reading frame from asparagine 1169.
Molecular consequence: frameshift variant. On other transcripts: non-coding transcript variant (1), intron variant (2).
Genome position (GRCh38, 1-based): chr13:32,337,860-32,337,863, AATG deleted; deleting any 4 consecutive bases within chr13:32,337,856-32,337,863 gives the same sequence; the c. name uses the placement nearest the transcript's 3' end. VCF-style (leftmost placement, unchanged base first): chr13-32337855-TAATG-T. GRCh37 (hg19) VCF-style: chr13-32911992-TAATG-T.
Other names: c.3505_3508del, p.Asn1169fs (NM_001406719.1, NM_001406720.1, NM_001432077.1); c.1909+4473_1909+4476del (NM_001406721.1); c.425-6698_425-6695del (NM_001406722.1); c.3505_3508delAATG (NM_000059.4); short protein forms N1169fs.
Identifiers: ClinVar variation 4813429 (VCV004813429.3).

ClinVar aggregate classification (germline): Pathogenic. Review status: criteria provided, multiple submitters, no conflicts (2 of 4 stars). 2 submissions from 2 submitters: Pathogenic (2). Last evaluated 2026-09-01.

Conditions:
Breast-ovarian cancer, familial, susceptibility to, 2 (BROVCA2). Also called: BRCA2 Hereditary Breast and Ovarian Cancer. Identifiers: Orphanet 145, MedGen C2675520, MONDO:0012933, OMIM 612555. Disease mechanism: loss of function.

Submissions (2):

CeGaT Center for Human Genetics Tuebingen
Classification: Pathogenic. Last evaluated: 2026-09-01. Review status: criteria provided, single submitter. Criteria: CeGaT Center For Human Genetics Tuebingen Variant Classification Criteria Version 2. Collection method: clinical testing. Allele origin: germline. Affected: yes. Observed: 2 variant alleles.
Comment: BRCA2: PVS1, PM2

MVZ Praenatalmedizin und Genetik Nuernberg
Classification: Pathogenic for Breast-ovarian cancer, familial, susceptibility to, 2. Last evaluated: 2025-05-17. Review status: criteria provided, single submitter. Criteria: ACMG Guidelines, 2015. Collection method: clinical testing. Allele origin: germline. Affected: yes.
Comment: Although this mutation has not yet been described in the databases (ClinVar, gnomAD), it leads to a shift in the reading frame in exon 11 and to a premature stop codon and is therefore considered pathogenic.